The following is an entry in ClinVar:

NM_015409.5(EP400):c.7627C>T (p.Gln2543Ter)

Gene: EP400 (E1A binding protein p400; plus strand). Cytogenetic location: 12q24.33.
Variant type: single nucleotide variant.
Coding change: c.7627C>T on transcript NM_015409.5 (MANE Select); coding-DNA position 7627, C replaced by T.
Protein change: p.Gln2543Ter; replaces glutamine 2543 with a stop codon.
Molecular consequence: nonsense.
Genome position (GRCh38, 1-based): chr12:132,053,496, C>T. VCF-style: chr12-132053496-C-T. GRCh37 (hg19) VCF-style: chr12-132538041-C-T.
Other names: short protein forms Q2543*.
Identifiers: ClinVar variation 4994893 (VCV004994893.1).

ClinVar aggregate classification (germline): Uncertain significance (1 of 4 stars; one submission).

Conditions:
EP400-related disorder. Also called: EP400-related condition.

gnomAD v4.1: 1 of 1,537,906 alleles (0.000065%); highest among the groups gnomAD compares: Non-Finnish European, 0.000087%; no homozygotes.

Submission:

PreventionGenetics, part of Exact Sciences
Classification: Uncertain significance for EP400-related condition. Last evaluated: 2025-10-07. Review status: criteria provided, single submitter. Criteria: ACMG Guidelines, 2015. Collection method: clinical testing. Allele origin: germline.
Comment: The EP400 c.7627C>T variant is predicted to result in premature protein termination (p.Gln2543*). To our knowledge, this variant has not been reported in the literature. This variant is reported in 0.0019% of alleles in individuals of European (Non-Finnish) descent in gnomAD. Loss of function is not an established mechanism of EP400-related disease. At this time, the clinical significance of this variant is uncertain due to the absence of conclusive functional and genetic evidence.